The following is an entry in ClinVar:

ClinVar aggregate classification (germline): Uncertain significance (1 of 4 stars; one submission).

Conditions:
Hereditary sensory and autonomic neuropathy type 1 (HSAN1). Also called: HSN Type I; Hereditary Sensory Neuropathy Type I; HSAN 1. Identifiers: Orphanet 36386, MedGen C0020071, MONDO:0018213.

Allele frequency attached by ClinVar (database versions not stated): gnomAD 0.00001 and 0.00003; 1000 Genomes Project 30x 0.00078; gnomAD exomes 0.00004 and 0.00002; ExAC 0.00004; 1000 Genomes Project 0.00080.
gnomAD v4.1: 35 of 1,605,566 alleles (0.0022%); highest among the groups gnomAD compares: South Asian, 0.017%; 1 homozygote.

Submission:

Labcorp Genetics (formerly Invitae), Labcorp
Classification: Uncertain significance for Hereditary sensory and autonomic neuropathy type 1. Last evaluated: 2022-02-06. Review status: criteria provided, single submitter. Criteria: Invitae Variant Classification Sherloc (09022015). Collection method: clinical testing. Allele origin: germline.
Comment: In summary, the available evidence is currently insufficient to determine the role of this variant in disease. Therefore, it has been classified as a Variant of Uncertain Significance. Algorithms developed to predict the effect of missense changes on protein structure and function output the following: SIFT: "Tolerated"; PolyPhen-2: "Benign"; Align-GVGD: "Class C0". The valine amino acid residue is found in multiple mammalian species, which suggests that this missense change does not adversely affect protein function. ClinVar contains an entry for this variant (Variation ID: 998940). This variant has not been reported in the literature in individuals affected with SPTLC1-related conditions. This variant is present in population databases (rs375552986, gnomAD 0.02%). This sequence change replaces isoleucine, which is neutral and non-polar, with valine, which is neutral and non-polar, at codon 84 of the SPTLC1 protein (p.Ile84Val).

NM_006415.4(SPTLC1):c.250A>G (p.Ile84Val)

Gene: SPTLC1 (serine palmitoyltransferase long chain base subunit 1; minus strand). Cytogenetic location: 9q22.31.
Variant type: single nucleotide variant.
Coding change: c.250A>G on transcript NM_006415.4 (MANE Select); coding-DNA position 250, A replaced by G.
Protein change: p.Ile84Val; replaces isoleucine 84 with valine.
Molecular consequence: missense variant. On other transcripts: 5 prime UTR variant (2).
Genome position (GRCh38, 1-based): chr9:92,108,750, T>C on the plus strand (A>G on the coding strand, the complement: SPTLC1 is on the minus strand). VCF-style: chr9-92108750-T-C. GRCh37 (hg19) VCF-style: chr9-94871032-T-C.
Other names: c.250A>G, p.Ile84Val (NM_001281303.2, NM_178324.3); c.-250A>G (NM_001368272.1); c.-216A>G (NM_001368273.1); short protein forms I84V.
Identifiers: ClinVar variation 998940 (VCV000998940.9), dbSNP rs375552986, ClinGen allele CA5121643.
Genomic context (GRCh38, chr9:92,108,750, plus strand): 5'-TTACTACAAGAAGCCAAATACAAGTACTTCAGGTAGCAAAATCAATTTACCCTGAAACGA[T>C]GTTGTAGTTGAGAGCAGGATGGTCTTTTGGGACAGGAGGAACAAGAGGTTCTGGTTGCCA-3'
Protein context (NP_006406.1, residues 74-94): PKDHPALNYN[Ile84Val]VSGPPSHKTV